The following is an entry in ClinVar:

ClinVar aggregate classification (germline): Uncertain significance (1 of 4 stars; one submission).

Conditions:
Early-infantile DEE. Also called: Early infantile epileptic encephalopathy; Early infantile epileptic encephalopathy with suppression bursts; Ohtahara syndrome. Identifiers: Orphanet 1934, MedGen C0393706, MONDO:0800491.

Allele frequency attached by ClinVar (database versions not stated): TOPMed below 0.00001.

Submission:

Labcorp Genetics (formerly Invitae), Labcorp
Classification: Uncertain significance for Early-infantile DEE. Last evaluated: 2023-02-14. Review status: criteria provided, single submitter. Criteria: Invitae Variant Classification Sherloc (09022015). Collection method: clinical testing. Allele origin: germline.
Comment: In summary, the available evidence is currently insufficient to determine the role of this variant in disease. Therefore, it has been classified as a Variant of Uncertain Significance. Algorithms developed to predict the effect of missense changes on protein structure and function are either unavailable or do not agree on the potential impact of this missense change (SIFT: "Deleterious"; PolyPhen-2: "Probably Damaging"; Align-GVGD: "Class C0"). This variant has not been reported in the literature in individuals affected with KCNQ2-related conditions. This variant is not present in population databases (gnomAD no frequency). This sequence change replaces glycine, which is neutral and non-polar, with cysteine, which is neutral and slightly polar, at codon 607 of the KCNQ2 protein (p.Gly607Cys).

NM_172107.4(KCNQ2):c.1819G>T (p.Gly607Cys)

Gene: KCNQ2 (potassium voltage-gated channel subfamily Q member 2; minus strand). Cytogenetic location: 20q13.33.
Variant type: single nucleotide variant.
Coding change: c.1819G>T on transcript NM_172107.4 (MANE Select); coding-DNA position 1819, G replaced by T.
Protein change: p.Gly607Cys; replaces glycine 607 with cysteine.
Molecular consequence: missense variant.
Genome position (GRCh38, 1-based): chr20:63,408,481, C>A on the plus strand (G>T on the coding strand, the complement: KCNQ2 is on the minus strand). VCF-style: chr20-63408481-C-A. GRCh37 (hg19) VCF-style: chr20-62039834-C-A.
Other names: c.1726G>T, p.Gly576Cys (NM_172108.5); c.1873G>T, p.Gly625Cys (NM_001382235.1); c.1735G>T, p.Gly579Cys (NM_004518.6); c.1765G>T, p.Gly589Cys (NM_172106.3); short protein forms G579C, G589C, G625C, G576C, G607C.
Identifiers: ClinVar variation 2790848 (VCV002790848.3), dbSNP rs1196009450, ClinGen allele CA409640341.